The following is an entry in ClinVar:

NM_001142966.3(GREB1L):c.5170_5171del (p.Asn1723_Ser1724insTer)

Gene: GREB1L (GREB1 like retinoic acid receptor coactivator; plus strand). Cytogenetic location: 18q11.2.
Variant type: Deletion.
Coding change: c.5170_5171del on transcript NM_001142966.3 (MANE Select); coding-DNA positions 5170 to 5171, 2 bases deleted (AG; older notation c.5170_5171delAG).
Protein change: p.Asn1723_Ser1724insTer.
Molecular consequence: nonsense.
Genome position (GRCh38, 1-based): chr18:21,516,653-21,516,654, AG deleted. VCF-style (leftmost placement, unchanged base first): chr18-21516652-CAG-C. GRCh37 (hg19) VCF-style: chr18-19096613-CAG-C.
Other names: c.5299_5300del, p.Asn1766_Ser1767insTer (NM_001410867.1); c.4843_4844del, p.Asn1614_Ser1615insTer (NM_001410868.1).
Identifiers: ClinVar variation 4879658 (VCV004879658.1).
Genomic context (GRCh38, chr18:21,516,652, plus strand): 5'-ATTGTTGTGGTTACAATTTAGGTATTTCTGTGAAGATGCTGACTTTAATCTGAGAACAAA[CAG>C]TAGTGGCCTGCTCATCTGCCGCTTTAATAACTTCAGTCTCATGAAGAAACATGTTCAGGT-3'

ClinVar aggregate classification (germline): Pathogenic (1 of 4 stars; one submission).

Conditions:
Renal hypodysplasia/aplasia 3 (RHDA3). Identifiers: MedGen C4540497, MONDO:0024520, OMIM 617805.

Submission:

Victorian Clinical Genetics Services, Murdoch Childrens Research Institute
Classification: Pathogenic for Renal hypodysplasia/aplasia 3. Last evaluated: 2026-02-16. Review status: criteria provided, single submitter. Criteria: ACMG Guidelines, 2015. Collection method: clinical testing. Allele origin: germline. Affected: yes.
Comment: This variant is classified as Pathogenic. Evidence in support of pathogenic classification: Variant is predicted to cause nonsense-mediated decay (NMD) and loss of protein (premature termination codon is located at least 54 nucleotides upstream of the final exon-exon junction); Variant is absent from gnomAD (v2, v3 and v4); Other NMD-predicted variant(s) comparable to the one identified in this case have very strong previous evidence for pathogenicity (DECIPHER). Additional information: This variant is heterozygous; This gene is associated with autosomal dominant disease; This variant has no previous evidence of pathogenicity; No published evidence of segregation with disease has been identified for this variant; No published functional evidence has been identified for this variant; Loss of function is a known mechanism of disease in this gene and is associated with autosomal dominant deafness 80 (MIM#619274) and renal hypodysplasia/aplasia 3 (MIM#617805); The condition associated with this gene has incomplete penetrance, where variants have been inherited from unaffected parents (PMIDs: 29100090, 32378186); Variants in this gene are known to have variable expressivity (OMIM).

Literature cited by the submitters: PubMed 32378186; PubMed 29100090.